The following is an entry in ClinVar:

NM_004006.3(DMD):c.5544G>T (p.Lys1848Asn)

Gene: DMD (dystrophin; minus strand). Cytogenetic location: Xp21.1.
Variant type: single nucleotide variant.
Coding change: c.5544G>T on transcript NM_004006.3 (MANE Select); coding-DNA position 5544, G replaced by T.
Protein change: p.Lys1848Asn; replaces lysine 1848 with asparagine.
Molecular consequence: missense variant.
Genome position (GRCh38, 1-based): chrX:32,345,985, C>A on the plus strand (G>T on the coding strand, the complement: DMD is on the minus strand). VCF-style: chrX-32345985-C-A. GRCh37 (hg19) VCF-style: chrX-32364102-C-A.
Other names: c.5520G>T, p.Lys1840Asn (NM_000109.4); c.5532G>T, p.Lys1844Asn (NM_004009.3); c.5175G>T, p.Lys1725Asn (NM_004010.3); c.1521G>T, p.Lys507Asn (NM_004011.4); c.1512G>T, p.Lys504Asn (NM_004012.4); short protein forms K1848N, K1844N, K507N, K1725N, K1840N, K504N.
Identifiers: ClinVar variation 566836 (VCV000566836.9), dbSNP rs369623931, ClinGen allele CA10378657.

ClinVar aggregate classification (germline): Uncertain significance. Review status: criteria provided, multiple submitters, no conflicts (2 of 4 stars). 3 submissions from 3 submitters: Uncertain significance (2). 1 of the submissions does not count toward it. Last evaluated 2025-11-17.

Conditions:
Cardiovascular phenotype. Identifiers: MedGen CN230736.
Dystrophin deficiency.
Cardiomyopathy (CMYO). Also called: Cardiomyopathies. Identifiers: Orphanet 167848, MedGen C0878544, MONDO:0004994, HP:0001638. Inheritance: Various modes of inheritance.
Becker muscular dystrophy (BMD). Also called: Becker Muscular Dystrophy (BMD); MUSCULAR DYSTROPHY, PSEUDOHYPERTROPHIC PROGRESSIVE, BECKER TYPE. Identifiers: Orphanet 98895, MedGen C0917713, MONDO:0010311, OMIM 300376.
Duchenne muscular dystrophy (DMD). Also called: Duchenne Muscular Dystrophy (DMD); MUSCULAR DYSTROPHY, PSEUDOHYPERTROPHIC PROGRESSIVE, DUCHENNE TYPE. Identifiers: Orphanet 98896, MedGen C0013264, MONDO:0010679, OMIM 310200.

Allele frequency attached by ClinVar (database versions not stated): gnomAD exomes 0.00001; ExAC 0.00002; TOPMed 0.00002; gnomAD 0.00003; ESP Exome Variant Server 0.00009.
gnomAD v4.1: 3 of 1,207,055 alleles (0.00025%); highest among the groups gnomAD compares: African/African-American, 0.0053%; no homozygotes.

Submissions (3):

Labcorp Genetics (formerly Invitae), Labcorp
Classification: Uncertain significance for Duchenne muscular dystrophy. Last evaluated: 2025-11-17. Review status: criteria provided, single submitter. Criteria: Invitae Variant Classification Sherloc (09022015). Collection method: clinical testing. Allele origin: germline.
Comment: This sequence change replaces lysine, which is basic and polar, with asparagine, which is neutral and polar, at codon 1848 of the DMD protein (p.Lys1848Asn). This variant is present in population databases (rs369623931, gnomAD 0.02%). This variant has not been reported in the literature in individuals affected with DMD-related conditions. ClinVar contains an entry for this variant (Variation ID: 566836). Invitae Evidence Modeling of protein sequence and biophysical properties (such as structural, functional, and spatial information, amino acid conservation, physicochemical variation, residue mobility, and thermodynamic stability) indicates that this missense variant is not expected to disrupt DMD protein function with a negative predictive value of 95%. In summary, the available evidence is currently insufficient to determine the role of this variant in disease. Therefore, it has been classified as a Variant of Uncertain Significance.

Ambry Genetics
Classification: Uncertain significance for Cardiovascular phenotype. Last evaluated: 2025-03-28. Review status: criteria provided, single submitter. Criteria: Ambry Variant Classification Scheme 2023. Collection method: clinical testing. Allele origin: germline.
Comment: The p.K1848N variant (also known as c.5544G>T), located in coding exon 39 of the DMD gene, results from a G to T substitution at nucleotide position 5544. The lysine at codon 1848 is replaced by asparagine, an amino acid with similar properties. This variant has been detected in a cohort of patients with features consistent with muscular dystrophy; however, clinical details were limited (Ge L et al. Open Med (Wars). 2024 Nov;19(1):20240916). This amino acid position is well conserved in available vertebrate species. In addition, this alteration is predicted to be tolerated by in silico analysis. Based on data from gnomAD, the T allele has an overall frequency of 0.0011% (2/182303) total alleles studied, with no hemizygote(s) observed. The highest observed frequency was 0.0153% (2/13098) of African/African American alleles. Based on the available evidence, the clinical significance of this variant remains unclear.

Natera, Inc.
Classification: Uncertain significance for Becker muscular dystrophy; Cardiomyopathy; Duchenne muscular dystrophy; Dystrophin deficiency. Last evaluated: 2019-02-03. Review status: no assertion criteria provided. Collection method: clinical testing. Allele origin: germline. Not counted in ClinVar's aggregate classification.

Literature cited by the submitters: PubMed 39588385 (cited by Ambry Genetics).